The following is an entry in ClinVar:

NM_001386140.1(MTTP):c.529A>T (p.Thr177Ser)

Gene: MTTP (microsomal triglyceride transfer protein; plus strand). Cytogenetic location: 4q23.
Variant type: single nucleotide variant.
Coding change: c.529A>T on transcript NM_001386140.1 (MANE Select); coding-DNA position 529, A replaced by T.
Protein change: p.Thr177Ser; replaces threonine 177 with serine.
Molecular consequence: missense variant.
Genome position (GRCh38, 1-based): chr4:99,591,262, A>T. VCF-style: chr4-99591262-A-T. GRCh37 (hg19) VCF-style: chr4-100512419-A-T.
Other names: c.529A>T, p.Thr177Ser (NM_000253.4); c.280A>T, p.Thr94Ser (NM_001300785.2); short protein forms T94S, T177S.
Identifiers: ClinVar variation 2094623 (VCV002094623.4), dbSNP rs2476106392, ClinGen allele CA357504382.

ClinVar aggregate classification (germline): Uncertain significance (1 of 4 stars; one submission).

Submission:

Labcorp Genetics (formerly Invitae), Labcorp
Classification: Uncertain significance. Last evaluated: 2022-02-08. Review status: criteria provided, single submitter. Criteria: Invitae Variant Classification Sherloc (09022015). Collection method: clinical testing. Allele origin: germline.
Comment: Algorithms developed to predict the effect of missense changes on protein structure and function are either unavailable or do not agree on the potential impact of this missense change (SIFT: "Tolerated"; PolyPhen-2: "Possibly Damaging"; Align-GVGD: "Class C0"). This variant has not been reported in the literature in individuals affected with MTTP-related conditions. This variant is not present in population databases (gnomAD no frequency). This sequence change replaces threonine, which is neutral and polar, with serine, which is neutral and polar, at codon 177 of the MTTP protein (p.Thr177Ser). In summary, the available evidence is currently insufficient to determine the role of this variant in disease. Therefore, it has been classified as a Variant of Uncertain Significance.